The following is an entry in ClinVar:

ClinVar aggregate classification (germline): Conflicting classifications of pathogenicity. Review status: criteria provided, conflicting classifications (1 of 4 stars). 5 submissions from 5 submitters: Pathogenic (1); Likely pathogenic (3); Uncertain significance (1). Last evaluated 2026-03-24.

Conditions:
PIEZO1-related disorder. Also called: PIEZO1-related condition; PIEZO1-Related Disorders.
Lymphatic malformation 6 (LMPHM6). Also called: GENERALIZED LYMPHATIC DYSPLASIA OF FOTIOU; Lymphedema, hereditary, III; PIEZO1-related generalized lymphatic dysplasia with non-immune hydrops fetalis. Identifiers: Orphanet 568062, MedGen C4225184, MONDO:0014797, OMIM 616843.

Allele frequency attached by ClinVar (database versions not stated): gnomAD exomes 0.00001 and 0.00004.
gnomAD v4.1: 52 of 1,547,322 alleles (0.0034%); highest among the groups gnomAD compares: Non-Finnish European, 0.0045%; no homozygotes.

Submissions (5):

PreventionGenetics, part of Exact Sciences
Classification: Likely pathogenic for PIEZO1-related condition. Last evaluated: 2026-03-24. Review status: criteria provided, single submitter. Criteria: ACMG Guidelines, 2015. Collection method: clinical testing. Allele origin: germline.
Comment: The PIEZO1 c.3331C>T variant is predicted to result in premature protein termination (p.Gln1111*). This variant has been reported in the heterozygous state in seven individuals with varicose veins (Smelser et al. 2022. PubMed ID: 34358671). This variant is reported in 0.0056% of alleles in individuals of European (Non-Finnish) descent in gnomAD. Nonsense variants in PIEZO1 are expected to be pathogenic. This variant is interpreted as likely pathogenic for autosomal recessive PIEZO1-related disorders.

GeneDx
Classification: Uncertain significance. Last evaluated: 2025-08-09. Review status: criteria provided, single submitter. Criteria: GeneDx Variant Classification Process June 2021. Collection method: clinical testing. Allele origin: germline. Affected: yes.
Comment: Observed in an individual with anti-Er(a) antibodies to the Er blood group reported in the published literature (PMID: 39051122); Nonsense variant predicted to result in protein truncation or nonsense mediated decay in a gene for which loss of function is a known mechanism of disease; This variant is associated with the following publications: (PMID: 34358671, 39051122)

Revvity Omics, Revvity
Classification: Likely pathogenic. Last evaluated: 2023-12-20. Review status: criteria provided, single submitter. Criteria: ACMG Guidelines, 2015. Collection method: clinical testing. Allele origin: germline.

Clinical Genomics Laboratory, Washington University in St. Louis
Classification: Likely pathogenic for Lymphatic malformation 6. Last evaluated: 2023-11-29. Review status: criteria provided, single submitter. Criteria: ACMG Guidelines, 2015. Collection method: clinical testing. Allele origin: germline.
Comment: The PIEZO1 c.3331C>T (p.Gln1111Ter) variant, to our knowledge, has not been reported in the medical literature but has been reported in the ClinVar database as a germline likely pathogenic variant by one submitter. This variant is only observed on 5/180,886 alleles in the general population (gnomAD v.2.1.1), indicating it is not a common variant. This variant causes a premature termination codon, which is predicted to lead to nonsense mediated decay. Additionally, other variants that introduce premature termination codons have been described in affected individuals and are considered pathogenic (Alper SL. PMID: 28728825). Based on available information and the ACMG/AMP guidelines for variant interpretation (Richards S et al., PMID: 25741868), this variant is classified as likely pathogenic.

Labcorp Genetics (formerly Invitae), Labcorp
Classification: Pathogenic. Last evaluated: 2023-03-17. Review status: criteria provided, single submitter. Criteria: Invitae Variant Classification Sherloc (09022015). Collection method: clinical testing. Allele origin: germline.
Comment: For these reasons, this variant has been classified as Pathogenic. ClinVar contains an entry for this variant (Variation ID: 1324896). This variant has not been reported in the literature in individuals affected with PIEZO1-related conditions. This variant is present in population databases (no rsID available, gnomAD 0.007%). This sequence change creates a premature translational stop signal (p.Gln1111*) in the PIEZO1 gene. It is expected to result in an absent or disrupted protein product. Loss-of-function variants in PIEZO1 are known to be pathogenic (PMID: 26333996).

Literature cited by the submitters: PubMed 26333996 (cited by Labcorp Genetics (formerly Invitae), Labcorp).

NM_001142864.4(PIEZO1):c.3331C>T (p.Gln1111Ter)

Gene: PIEZO1 (piezo type mechanosensitive ion channel component 1 (Er blood group); minus strand). Cytogenetic location: 16q24.3.
Variant type: single nucleotide variant.
Coding change: c.3331C>T on transcript NM_001142864.4 (MANE Select); coding-DNA position 3331, C replaced by T.
Protein change: p.Gln1111Ter; replaces glutamine 1111 with a stop codon.
Molecular consequence: nonsense.
Genome position (GRCh38, 1-based): chr16:88,727,163, G>A on the plus strand (C>T on the coding strand, the complement: PIEZO1 is on the minus strand). VCF-style: chr16-88727163-G-A. GRCh37 (hg19) VCF-style: chr16-88793571-G-A.
Other names: c.3331C>T (NM_001142864.2, NM_001142864.3); short protein forms Q1111*.
Identifiers: ClinVar variation 1324896 (VCV001324896.10), dbSNP rs1161335800, ClinGen allele CA397105430.